The following is an entry in ClinVar:

ClinVar aggregate classification (germline): Uncertain significance (1 of 4 stars; one submission).

Conditions:
Porokeratosis 3, disseminated superficial actinic type (POROK3). Also called: POROKERATOSIS, DISSEMINATED SUPERFICIAL ACTINIC, 1; POROKERATOSIS 3, MULTIPLE TYPES; POROKERATOSIS 3, MIBELLI TYPE. Identifiers: MedGen C1867981, MONDO:0008293, OMIM 175900.
Mevalonic aciduria (MEVA). Identifiers: Orphanet 29, MedGen C1959626, MONDO:0012481, OMIM 610377.
Hyperimmunoglobulin D with periodic fever (HIDS). Also called: Hyperimmunoglobulinemia D; HYPERIMMUNOGLOBULINEMIA D AND PERIODIC FEVER SYNDROME; Hyperimmunoglobulinemia D with periodic fever. Identifiers: Orphanet 343, MedGen C0398691, MONDO:0009849, OMIM 260920.

Submission:

Labcorp Genetics (formerly Invitae), Labcorp
Classification: Uncertain significance for Mevalonic aciduria; Hyperimmunoglobulin D with periodic fever; Porokeratosis 3, disseminated superficial actinic type. Last evaluated: 2022-03-07. Review status: criteria provided, single submitter. Criteria: Invitae Variant Classification Sherloc (09022015). Collection method: clinical testing. Allele origin: germline.
Comment: In summary, the available evidence is currently insufficient to determine the role of this variant in disease. Therefore, it has been classified as a Variant of Uncertain Significance. Algorithms developed to predict the effect of missense changes on protein structure and function (SIFT, PolyPhen-2, Align-GVGD) all suggest that this variant is likely to be tolerated. This variant has not been reported in the literature in individuals affected with MVK-related conditions. This variant is not present in population databases (gnomAD no frequency). This sequence change replaces serine, which is neutral and polar, with tryptophan, which is neutral and slightly polar, at codon 227 of the MVK protein (p.Ser227Trp).

NM_000431.4(MVK):c.680C>G (p.Ser227Trp)

Gene: MVK (mevalonate kinase; plus strand). Cytogenetic location: 12q24.11.
Variant type: single nucleotide variant.
Coding change: c.680C>G on transcript NM_000431.4 (MANE Select); coding-DNA position 680, C replaced by G.
Protein change: p.Ser227Trp; replaces serine 227 with tryptophan.
Molecular consequence: missense variant.
Genome position (GRCh38, 1-based): chr12:109,590,773, C>G. VCF-style: chr12-109590773-C-G. GRCh37 (hg19) VCF-style: chr12-110028578-C-G.
Other names: c.680C>G, p.Ser227Trp (NM_001114185.3, NM_001414511.1, NM_001414513.1); c.524C>G, p.Ser175Trp (NM_001301182.2, NM_001414514.1); c.755C>G, p.Ser252Trp (NM_001414512.1); c.98C>G, p.Ser33Trp (NM_001414515.1); short protein forms S175W, S227W, S252W, S33W.
Identifiers: ClinVar variation 2069462 (VCV002069462.4), dbSNP rs201360189, ClinGen allele CA386648973.